The following is an entry in ClinVar:

ClinVar aggregate classification (germline): Benign (1 of 4 stars; one submission).

Conditions:
Pheochromocytoma. Also called: MAX-Related Hereditary Paraganglioma-Pheochromocytoma Syndrome. Identifiers: Orphanet 29072, MedGen C0031511, MONDO:0008233, OMIM 171300, HP:0002666.

Allele frequency attached by ClinVar (database versions not stated): TOPMed 0.00137; gnomAD 0.00153; gnomAD exomes 0.00342; 1000 Genomes Project 30x 0.00874; 1000 Genomes Project 0.00938.
gnomAD v4.1: 453 of 224,446 alleles (0.2%); highest among the groups gnomAD compares: East Asian, 2.6%; 10 homozygotes.

Submission:

Illumina Laboratory Services, Illumina
Classification: Benign for Pheochromocytoma. Last evaluated: 2018-01-13. Review status: criteria provided, single submitter. Criteria: ICSL Variant Classification Criteria 13 December 2019. Collection method: clinical testing. Allele origin: germline.
Comment: This variant was observed in the ICSL laboratory as part of a predisposition screen in an ostensibly healthy population. It had not been previously curated by ICSL or reported in the Human Gene Mutation Database (HGMD: prior to June 1st, 2018), and was therefore a candidate for classification through an automated scoring system. Utilizing variant allele frequency, disease prevalence and penetrance estimates, and inheritance mode, an automated score was calculated to assess if this variant is too frequent to cause the disease. Based on the score and internal cut-off values, a variant classified as benign is not then subjected to further curation. The score for this variant resulted in a classification of benign for this disease.

NM_017849.4(TMEM127):c.*2300G>A

Gene: TMEM127 (transmembrane protein 127; minus strand). Cytogenetic location: 2q11.2.
Variant type: single nucleotide variant.
Coding change: c.*2300G>A on transcript NM_017849.4 (MANE Select); 2300 bases downstream of the stop codon, G replaced by A.
Molecular consequence: 3 prime UTR variant.
Genome position (GRCh38, 1-based): chr2:96,251,508, C>T on the plus strand (G>A on the coding strand, the complement: TMEM127 is on the minus strand). VCF-style: chr2-96251508-C-T. GRCh37 (hg19) VCF-style: chr2-96917246-C-T.
Other names: c.*2300G>A (NM_001193304.3).
Identifiers: ClinVar variation 337463 (VCV000337463.5), dbSNP rs117655540, ClinGen allele CA10614161.